The following is an entry in ClinVar:

ClinVar aggregate classification (germline): Likely benign. Review status: criteria provided, multiple submitters, no conflicts (2 of 4 stars). 2 submissions from 2 submitters: Likely benign (2). Last evaluated 2024-06-13.

Conditions:
Familial cancer of breast. Also called: BREAST CANCER, FAMILIAL; Hereditary breast cancer; hereditary breast carcinoma. Identifiers: Orphanet 227535, MedGen C0346153, MONDO:0016419, OMIM 114480. Disease mechanism: loss of function.
Ataxia-telangiectasia syndrome (AT). Also called: Ataxia-telangiectasia, complementation group D; AT, COMPLEMENTATION GROUP C; ATAXIA-TELANGIECTASIA, COMPLEMENTATION GROUP A; ATAXIA-TELANGIECTASIA, FRESNO VARIANT; Ataxia-telangiectasia, complementation group E; LOUIS-BAR SYNDROME. Identifiers: Orphanet 100, MedGen C0004135, MONDO:0008840, OMIM 208900.

Submissions (2):

Myriad Genetics, Inc.
Classification: Likely benign for Familial cancer of breast. Last evaluated: 2024-06-13. Review status: criteria provided, single submitter. Criteria: Myriad Autosomal Dominant, Autosomal Recessive and X-Linked Classification Criteria (2023). Collection method: clinical testing. Allele origin: unknown.
Comment: This variant is considered likely benign. This variant is intronic and is not expected to impact mRNA splicing.

Labcorp Genetics (formerly Invitae), Labcorp
Classification: Likely benign for Ataxia-telangiectasia syndrome. Last evaluated: 2022-05-27. Review status: criteria provided, single submitter. Criteria: Invitae Variant Classification Sherloc (09022015). Collection method: clinical testing. Allele origin: germline.

NM_000051.4(ATM):c.7090-18G>T

Genes: C11orf65 (chromosome 11 open reading frame 65; minus strand), ATM (ATM serine/threonine kinase; plus strand). Cytogenetic location: 11q22.3.
Variant type: single nucleotide variant.
Coding change: c.7090-18G>T on transcript NM_000051.4 (MANE Select); 18 bases into the intron before coding-DNA position 7090, G replaced by T.
Molecular consequence: intron variant.
Genome position (GRCh38, 1-based): chr11:108,329,003, G>T. VCF-style: chr11-108329003-G-T. GRCh37 (hg19) VCF-style: chr11-108199730-G-T.
Other names: c.7090-18G>T (NM_001351834.2); c.641-19932C>A (NM_001330368.2); c.*38+6217C>A (NM_001351110.2).
Identifiers: ClinVar variation 1943806 (VCV001943806.5), dbSNP rs2136408537, ClinGen allele CA2574971340.
Genomic context (GRCh38, chr11:108,329,003, plus strand): 5'-ATTACCTTAATTTGAGTGATTCTTTAGATGTATTTAGTATTTGTAAATATAATTTAAATT[G>T]GTTGTGTTTTCTTGAAGGCAGTAGAAGTTGCTGGAAATTATGATGGAGAAAGTAGTGATG-3'